The following is an entry in ClinVar:

NM_000080.4(CHRNE):c.781G>T (p.Ala261Ser)

Genes: C17orf107 (chromosome 17 open reading frame 107; plus strand), CHRNE (cholinergic receptor nicotinic epsilon subunit; minus strand). Cytogenetic location: 17p13.2.
Variant type: single nucleotide variant.
Coding change: c.781G>T on transcript NM_000080.4 (MANE Select); coding-DNA position 781, G replaced by T.
Protein change: p.Ala261Ser; replaces alanine 261 with serine.
Molecular consequence: missense variant. On other transcripts: 3 prime UTR variant (1).
Genome position (GRCh38, 1-based): chr17:4,901,011, C>A on the plus strand (G>T on the coding strand, the complement: CHRNE is on the minus strand). VCF-style: chr17-4901011-C-A. GRCh37 (hg19) VCF-style: chr17-4804306-C-A.
Other names: c.*478C>A (NM_001145536.2); short protein forms A261S.
Identifiers: ClinVar variation 892244 (VCV000892244.11), dbSNP rs762509943, ClinGen allele CA8314268.

ClinVar aggregate classification (germline): Uncertain significance. Review status: criteria provided, multiple submitters, no conflicts (2 of 4 stars). 3 submissions from 3 submitters: Uncertain significance (2). 1 of the submissions does not count toward it. Last evaluated 2024-02-07.

Conditions:
Congenital myasthenic syndrome (CMS). Also called: Congenital Myasthenic Syndromes. Identifiers: Orphanet 590, MedGen C0751882, MeSH D020294, MONDO:0018940.
Congenital myasthenic syndrome 4A. Also called: Myasthenic syndrome, congenital, 4a, slow-channel; CONGENITAL MYASTHENIC SYNDROME TYPE Ia1; MYASTHENIC SYNDROME, CONGENITAL, 4A, SLOW-CHANNEL, AUTOSOMAL RECESSIVE. Identifiers: Orphanet 590, MedGen C4225413, MONDO:0011600, OMIM 605809.

Allele frequency attached by ClinVar (database versions not stated): ExAC 0.00002; TOPMed 0.00003; gnomAD 0.00004.
gnomAD v4.1: 65 of 1,613,832 alleles (0.004%); highest among the groups gnomAD compares: Non-Finnish European, 0.0053%; no homozygotes.

Submissions (3):

Labcorp Genetics (formerly Invitae), Labcorp
Classification: Uncertain significance for Congenital myasthenic syndrome 4A. Last evaluated: 2024-02-07. Review status: criteria provided, single submitter. Criteria: Invitae Variant Classification Sherloc (09022015). Collection method: clinical testing. Allele origin: germline.
Comment: This sequence change replaces alanine, which is neutral and non-polar, with serine, which is neutral and polar, at codon 261 of the CHRNE protein (p.Ala261Ser). This variant is present in population databases (rs762509943, gnomAD 0.006%). This variant has not been reported in the literature in individuals affected with CHRNE-related conditions. ClinVar contains an entry for this variant (Variation ID: 892244). Advanced modeling of protein sequence and biophysical properties (such as structural, functional, and spatial information, amino acid conservation, physicochemical variation, residue mobility, and thermodynamic stability) performed at Invitae indicates that this missense variant is not expected to disrupt CHRNE protein function with a negative predictive value of 95%. In summary, the available evidence is currently insufficient to determine the role of this variant in disease. Therefore, it has been classified as a Variant of Uncertain Significance.

Illumina Laboratory Services, Illumina
Classification: Uncertain significance for Congenital myasthenic syndrome. Last evaluated: 2018-01-13. Review status: criteria provided, single submitter. Criteria: ICSL Variant Classification Criteria 13 December 2019. Collection method: clinical testing. Allele origin: germline.

Natera, Inc.
Classification: Uncertain significance for Congenital myasthenic syndrome. Last evaluated: 2020-05-20. Review status: no assertion criteria provided. Collection method: clinical testing. Allele origin: germline. Not counted in ClinVar's aggregate classification.